The following is an entry in ClinVar:

ClinVar aggregate classification (germline): Uncertain significance. Review status: criteria provided, multiple submitters, no conflicts (2 of 4 stars). 2 submissions from 2 submitters: Uncertain significance (2). Last evaluated 2026-06-10.

Conditions:
Inborn genetic diseases. Identifiers: MedGen C0950123, MeSH D030342.

Allele frequency attached by ClinVar (database versions not stated): gnomAD exomes below 0.00001; TOPMed below 0.00001.
gnomAD v4.1: 2 of 1,610,864 alleles (0.00012%); highest among the groups gnomAD compares: Non-Finnish European, 0.00017%; no homozygotes.

Submissions (2):

Ambry Genetics
Classification: Uncertain significance for Inborn genetic diseases. Last evaluated: 2026-06-10. Review status: criteria provided, single submitter. Criteria: Ambry Variant Classification Scheme 2023. Collection method: clinical testing. Allele origin: germline.

GeneDx
Classification: Uncertain significance. Last evaluated: 2024-06-11. Review status: criteria provided, single submitter. Criteria: GeneDx Variant Classification Process June 2021. Collection method: clinical testing. Allele origin: germline. Affected: yes.
Comment: Not observed at significant frequency in large population cohorts (gnomAD); In silico analysis indicates that this missense variant does not alter protein structure/function; Has not been previously published as pathogenic or benign to our knowledge; In silico analysis is inconclusive as to whether the variant alters gene splicing. In the absence of RNA/functional studies, the actual effect of this sequence change is unknown.

NM_015057.5(MYCBP2):c.2630G>C (p.Gly877Ala)

Gene: MYCBP2 (MYC binding protein 2; minus strand). Cytogenetic location: 13q22.3.
Variant type: single nucleotide variant.
Coding change: c.2630G>C on transcript NM_015057.5 (MANE Select); coding-DNA position 2630, G replaced by C.
Protein change: p.Gly877Ala; replaces glycine 877 with alanine.
Molecular consequence: missense variant.
Genome position (GRCh38, 1-based): chr13:77,233,263, C>G on the plus strand (G>C on the coding strand, the complement: MYCBP2 is on the minus strand). VCF-style: chr13-77233263-C-G. GRCh37 (hg19) VCF-style: chr13-77807398-C-G.
Other names: short protein forms G877A.
Identifiers: ClinVar variation 2507287 (VCV002507287.3), dbSNP rs2067376410, ClinGen allele CA388429171.